The following is an entry in ClinVar:

ClinVar aggregate classification (germline): Pathogenic (1 of 4 stars; one submission).

Submission:

Labcorp Genetics (formerly Invitae), Labcorp
Classification: Pathogenic. Last evaluated: 2023-11-22. Review status: criteria provided, single submitter. Criteria: Invitae Variant Classification Sherloc (09022015). Collection method: clinical testing. Allele origin: germline.
Comment: This sequence change creates a premature translational stop signal (p.Asp1123Leufs*33) in the POLE gene. It is expected to result in an absent or disrupted protein product. Loss-of-function variants in POLE are known to be pathogenic (PMID: 23230001, 25948378, 30503519). This variant is not present in population databases (gnomAD no frequency). This variant has not been reported in the literature in individuals affected with POLE-related conditions. For these reasons, this variant has been classified as Pathogenic.

Literature cited by the submitters: PubMed 23230001; PubMed 25948378; PubMed 30503519.

NM_006231.4(POLE):c.3365_3366dup (p.Asp1123fs)

Gene: POLE (DNA polymerase epsilon, catalytic subunit; minus strand). Cytogenetic location: 12q24.33.
Variant type: Duplication.
Coding change: c.3365_3366dup on transcript NM_006231.4 (MANE Select); coding-DNA positions 3365 to 3366, 2 bases duplicated (TT; older notation c.3365_3366dupTT).
Protein change: p.Asp1123fs; shifts the reading frame from aspartic acid 1123.
Molecular consequence: frameshift variant.
Genome position (GRCh38, 1-based): chr12:132,657,880-132,657,881, AA duplicated on the plus strand (TT on the coding strand, the reverse complement: POLE is on the minus strand); duplicating any 2 consecutive bases within chr12:132,657,880-132,657,882 gives the same sequence; the c. name uses the placement nearest the transcript's 3' end. VCF-style (leftmost placement, unchanged base first): chr12-132657879-C-CAA. GRCh37 (hg19) VCF-style: chr12-133234465-C-CAA.
Other names: short protein forms D1123fs.
Identifiers: ClinVar variation 2698162 (VCV002698162.3), dbSNP rs2542007430, ClinGen allele CA2697551589.